The following is an entry in ClinVar:

ClinVar aggregate classification (germline): Uncertain significance (1 of 4 stars; one submission).

Conditions:
Familial focal epilepsy with variable foci (FPEVF). Identifiers: Orphanet 98820, MedGen C1858477, MONDO:0020310.

gnomAD v4.1: 4 of 1,612,644 alleles (0.00025%); highest among the groups gnomAD compares: South Asian, 0.0044%; no homozygotes.

Submission:

Labcorp Genetics (formerly Invitae), Labcorp
Classification: Uncertain significance for Familial focal epilepsy with variable foci. Last evaluated: 2025-12-23. Review status: criteria provided, single submitter. Criteria: Invitae Variant Classification Sherloc (09022015). Collection method: clinical testing. Allele origin: germline.
Comment: This sequence change replaces serine, which is neutral and polar, with cysteine, which is neutral and slightly polar, at codon 1074 of the DEPDC5 protein (p.Ser1074Cys). This variant is present in population databases (rs778292246, gnomAD 0.007%). This variant has not been reported in the literature in individuals affected with DEPDC5-related conditions. Experimental studies and prediction algorithms are not available or were not evaluated, and the functional significance of this variant is currently unknown. In summary, the available evidence is currently insufficient to determine the role of this variant in disease. Therefore, it has been classified as a Variant of Uncertain Significance.

NM_001242896.3(DEPDC5):c.3220A>T (p.Ser1074Cys)

Gene: DEPDC5 (DEP domain containing 5, GATOR1 subcomplex subunit; plus strand). Cytogenetic location: 22q12.3.
Variant type: single nucleotide variant.
Coding change: c.3220A>T on transcript NM_001242896.3 (MANE Select); coding-DNA position 3220, A replaced by T.
Protein change: p.Ser1074Cys; replaces serine 1074 with cysteine.
Molecular consequence: missense variant. On other transcripts: non-coding transcript variant (5).
Genome position (GRCh38, 1-based): chr22:31,857,509, A>T. VCF-style: chr22-31857509-A-T. GRCh37 (hg19) VCF-style: chr22-32253495-A-T.
Other names: c.3193A>T, p.Ser1065Cys (NM_001136029.4, NM_001369903.1, NM_014662.6); c.2986A>T, p.Ser996Cys (NM_001242897.2, NM_001363854.2, NM_001364319.2); c.3220A>T, p.Ser1074Cys (NM_001363852.2, NM_001364318.2, NM_001364320.2); c.3136A>T, p.Ser1046Cys (NM_001369901.1, NM_001369902.1); short protein forms S996C, S1046C, S1065C, S1074C.
Identifiers: ClinVar variation 4781404 (VCV004781404.1).
Genomic context (GRCh38, chr22:31,857,509, plus strand): 5'-CTGGGAGAACAGCAGGCAGCTGTGCATGGTGGGAAGAGCTCCGCCCAGTCAGCCGAGAGC[A>T]GCAGCGTTGCCATGACTCCCACCTACATGGACAGCCCACGAAAGGTAAAGGAAGCCGCGG-3'
Protein context (NP_001229825.1, residues 1064-1084): GKSSAQSAES[Ser1074Cys]SVAMTPTYMD